The following is an entry in ClinVar:

NM_019066.5(MAGEL2):c.3619A>G (p.Lys1207Glu)

Gene: MAGEL2 (MAGE family member L2; minus strand). Cytogenetic location: 15q11.2.
Variant type: single nucleotide variant.
Coding change: c.3619A>G on transcript NM_019066.5 (MANE Select); coding-DNA position 3619, A replaced by G.
Protein change: p.Lys1207Glu; replaces lysine 1207 with glutamic acid.
Molecular consequence: missense variant.
Genome position (GRCh38, 1-based): chr15:23,644,124, T>C on the plus strand (A>G on the coding strand, the complement: MAGEL2 is on the minus strand). VCF-style: chr15-23644124-T-C. GRCh37 (hg19) VCF-style: chr15-23889271-T-C.
Other names: short protein forms K1207E.
Identifiers: ClinVar variation 2800365 (VCV002800365.3), dbSNP rs2503973666, ClinGen allele CA391321611.

ClinVar aggregate classification (germline): Uncertain significance (1 of 4 stars; one submission).

Allele frequency attached by ClinVar (database versions not stated): gnomAD exomes below 0.00001.

Submission:

Labcorp Genetics (formerly Invitae), Labcorp
Classification: Uncertain significance. Last evaluated: 2023-06-06. Review status: criteria provided, single submitter. Criteria: Invitae Variant Classification Sherloc (09022015). Collection method: clinical testing. Allele origin: germline.
Comment: This variant is not present in population databases (gnomAD no frequency). This sequence change replaces lysine, which is basic and polar, with glutamic acid, which is acidic and polar, at codon 1207 of the MAGEL2 protein (p.Lys1207Glu). This variant has not been reported in the literature in individuals affected with MAGEL2-related conditions. In summary, the available evidence is currently insufficient to determine the role of this variant in disease. Therefore, it has been classified as a Variant of Uncertain Significance. Advanced modeling of protein sequence and biophysical properties (such as structural, functional, and spatial information, amino acid conservation, physicochemical variation, residue mobility, and thermodynamic stability) performed at Invitae indicates that this missense variant is not expected to disrupt MAGEL2 protein function.